The following is an entry in ClinVar:

NM_001148.6(ANK2):c.43_45del (p.Lys15del)

Gene: ANK2 (ankyrin 2; plus strand). Cytogenetic location: 4q25.
Variant type: Deletion.
Coding change: c.43_45del on transcript NM_001148.6 (MANE Select); coding-DNA positions 43 to 45, 3 bases deleted (AAG; older notation c.43_45delAAG).
Protein change: p.Lys15del; deletes lysine 15.
Molecular consequence: intron variant (on NM_001386186.2).
Genome position (GRCh38, 1-based): chr4:113,049,771-113,049,773, AAG deleted; deleting any 3 consecutive bases within chr4:113,049,769-113,049,773 gives the same sequence; the c. name uses the placement nearest the transcript's 3' end. VCF-style (leftmost placement, unchanged base first): chr4-113049768-GAGA-G. GRCh37 (hg19) VCF-style: chr4-113970924-GAGA-G.
Other names: c.43_45del, p.Lys15del (NM_001354225.2, NM_001354228.2, NM_001354232.2 and 10 more transcripts); c.73-124645_73-124643del (NM_001386186.2, NM_001386148.2, NM_001354269.3 and 1 more transcripts); c.22-101309_22-101307del (NM_001386147.1, NM_001386160.1, NM_001354261.2); c.22-124645_22-124643del (NM_001354254.2, NM_001354239.2, NM_001354252.2 and 33 more transcripts); short protein forms K15del.
Identifiers: ClinVar variation 4096707 (VCV004096707.1).
Genomic context (GRCh38, chr4:113,049,768, plus strand): 5'-TTTCTTTCCAAACTGTTCAAAATGATGAACGAAGATGCAGCTCAGAAAAGCGACAGTGGA[GAGA>G]AGTTCAACGGCAGTAGTCAGAGGAGAAAAAGACCCAAGAAGGTAAATCGCCGGAATTAGG-3'

ClinVar aggregate classification (germline): Uncertain significance (1 of 4 stars; one submission).

Conditions:
Cardiovascular phenotype. Identifiers: MedGen CN230736.

Submission:

Ambry Genetics
Classification: Uncertain significance for Cardiovascular phenotype. Last evaluated: 2025-08-22. Review status: criteria provided, single submitter. Criteria: Ambry Variant Classification Scheme 2023. Collection method: clinical testing. Allele origin: germline.
Comment: The c.43_45delAAG variant (also known as p.K15del) is located in coding exon 1 of the ANK2 gene. This variant results from an in-frame AAG deletion at nucleotide positions 43 to 45. This results in the in-frame deletion of a lysine at codon 15. This amino acid position is highly conserved in available vertebrate species. In addition, the in silico prediction for this variant is inconclusive (Choi Y et al. PLoS ONE. 2012; 7(10):e46688). Based on the available evidence, the clinical significance of this variant remains unclear.